The following is an entry in ClinVar:

NM_001918.5(DBT):c.904G>T (p.Gly302Ter)

Gene: DBT (dihydrolipoamide branched chain transacylase E2; minus strand). Cytogenetic location: 1p21.2.
Variant type: single nucleotide variant.
Coding change: c.904G>T on transcript NM_001918.5 (MANE Select); coding-DNA position 904, G replaced by T.
Protein change: p.Gly302Ter; replaces glycine 302 with a stop codon.
Molecular consequence: nonsense. On other transcripts: non-coding transcript variant (4).
Genome position (GRCh38, 1-based): chr1:100,214,852, C>A on the plus strand (G>T on the coding strand, the complement: DBT is on the minus strand). VCF-style: chr1-100214852-C-A. GRCh37 (hg19) VCF-style: chr1-100680408-C-A.
Other names: c.361G>T, p.Gly121Ter (NM_001399969.1, NM_001399972.1); short protein forms G121*, G302*.
Identifiers: ClinVar variation 1725377 (VCV001725377.2), dbSNP rs2524147212, ClinGen allele CA341337097.

ClinVar aggregate classification (germline): Likely pathogenic (1 of 4 stars; one submission).

Conditions:
Maple syrup urine disease (MSUD). Identifiers: Orphanet 511, MedGen C0024776, MeSH D008375, MONDO:0009563. Disease mechanism: loss of function.

Submission:

Myriad Genetics, Inc.
Classification: Likely pathogenic for Maple syrup urine disease type 1A. Last evaluated: 2022-03-17. Review status: criteria provided, single submitter. Criteria: Myriad Women's Health Autosomal Recessive and X-Linked Classification Criteria (2021). Collection method: clinical testing. Allele origin: unknown.
Comment: NM_001918.3(DBT):c.904G>T(G302*) is expected to be pathogenic in the context of maple syrup urine disease type II. This variant is predicted to lead to an abnormal or absent protein product due to the creation of a premature termination codon in DBT, a gene where loss-of-function variants are known to be pathogenic. Please note: this variant was assessed in the context of healthy population screening.